The following is an entry in ClinVar:

NM_001365951.3(KIF1B):c.2455C>G (p.Pro819Ala)

Gene: KIF1B (kinesin family member 1B; plus strand). Cytogenetic location: 1p36.22.
Variant type: single nucleotide variant.
Coding change: c.2455C>G on transcript NM_001365951.3 (MANE Select); coding-DNA position 2455, C replaced by G.
Protein change: p.Pro819Ala; replaces proline 819 with alanine.
Molecular consequence: missense variant.
Genome position (GRCh38, 1-based): chr1:10,323,980, C>G. VCF-style: chr1-10323980-C-G. GRCh37 (hg19) VCF-style: chr1-10384038-C-G.
Other names: c.2455C>G, p.Pro819Ala (NM_001365952.1); c.2317C>G, p.Pro773Ala (NM_015074.3); short protein forms P773A, P819A.
Identifiers: ClinVar variation 2625713 (VCV002625713.2), dbSNP rs2521622823, ClinGen allele CA338334729.

ClinVar aggregate classification (germline): Uncertain significance (1 of 4 stars; one submission).

Submission:

Ambry Genetics
Classification: Uncertain significance. Last evaluated: 2023-07-26. Review status: criteria provided, single submitter. Criteria: Ambry Variant Classification Scheme 2023. Collection method: clinical testing. Allele origin: germline.
Comment: The p.P773A variant (also known as c.2317C>G), located in coding exon 22 of the KIF1B gene, results from a C to G substitution at nucleotide position 2317. The proline at codon 773 is replaced by alanine, an amino acid with highly similar properties. This amino acid position is conserved. In addition, this alteration is predicted to be tolerated by in silico analysis. Since supporting evidence is limited at this time, the clinical significance of this alteration remains unclear.